The following is an entry in ClinVar:

ClinVar aggregate classification (germline): Uncertain significance. Review status: criteria provided, multiple submitters, no conflicts (2 of 4 stars). 2 submissions from 2 submitters: Uncertain significance (2). Last evaluated 2026-06-30.

Conditions:
Spongy degeneration of central nervous system. Also called: ACY2 DEFICIENCY; AMINOACYLASE 2 DEFICIENCY; ASP DEFICIENCY; ASPA DEFICIENCY; ASPARTOACYLASE DEFICIENCY; CANAVAN-VAN BOGAERT-BERTRAND DISEASE. Identifiers: Orphanet 141, MedGen C0206307, MONDO:0010079, OMIM 271900.

Submissions (2):

Women's Health and Genetics/Laboratory Corporation of America, LabCorp
Classification: Uncertain significance. Last evaluated: 2026-06-30. Review status: criteria provided, single submitter. Criteria: LabCorp Variant Classification Summary - May 2015. Collection method: clinical testing. Allele origin: germline.

Labcorp Genetics (formerly Invitae), Labcorp
Classification: Uncertain significance for Spongy degeneration of central nervous system. Last evaluated: 2022-08-03. Review status: criteria provided, single submitter. Criteria: Invitae Variant Classification Sherloc (09022015). Collection method: clinical testing. Allele origin: germline.
Comment: This sequence change falls in intron 4 of the ASPA gene. It does not directly change the encoded amino acid sequence of the ASPA protein. It affects a nucleotide within the consensus splice site. This variant is not present in population databases (gnomAD no frequency). This variant has not been reported in the literature in individuals affected with ASPA-related conditions. Variants that disrupt the consensus splice site are a relatively common cause of aberrant splicing (PMID: 17576681, 9536098). Algorithms developed to predict the effect of sequence changes on RNA splicing suggest that this variant is not likely to affect RNA splicing. In summary, the available evidence is currently insufficient to determine the role of this variant in disease. Therefore, it has been classified as a Variant of Uncertain Significance.

Literature cited by the submitters: PubMed 17576681 (cited by Labcorp Genetics (formerly Invitae), Labcorp); PubMed 9536098 (cited by Labcorp Genetics (formerly Invitae), Labcorp).

NM_000049.4(ASPA):c.634+3A>G

Genes: ASPA (aspartoacylase; plus strand), SPATA22 (spermatogenesis associated 22; minus strand). Cytogenetic location: 17p13.2.
Variant type: single nucleotide variant.
Coding change: c.634+3A>G on transcript NM_000049.4 (MANE Select); 3 bases into the intron after coding-DNA position 634, A replaced by G.
Molecular consequence: intron variant.
Genome position (GRCh38, 1-based): chr17:3,489,345, A>G. VCF-style: chr17-3489345-A-G. GRCh37 (hg19) VCF-style: chr17-3392639-A-G.
Other names: c.-73-19947T>C (NM_001321336.2, NM_001321337.2); c.634+3A>G (NM_001128085.1).
Identifiers: ClinVar variation 1932821 (VCV001932821.3), dbSNP rs756669857, ClinGen allele CA2243888230.